The following is an entry in ClinVar:

NM_004408.4(DNM1):c.643_646delinsA (p.Asp215_Ala216delinsThr)

Gene: DNM1 (dynamin 1; plus strand). Cytogenetic location: 9q34.11.
Variant type: Indel.
Coding change: c.643_646delinsA on transcript NM_004408.4 (MANE Select); coding-DNA positions 643 to 646, GATG replaced by A.
Protein change: p.Asp215_Ala216delinsThr.
Molecular consequence: inframe indel.
Genome position (GRCh38, 1-based): chr9:128,220,041-128,220,044, GATG replaced by A. VCF-style: chr9-128220041-GATG-A. GRCh37 (hg19) VCF-style: chr9-130982320-GATG-A.
Other names: c.643_646delinsA, p.Asp215_Ala216delinsThr (NM_001005336.3, NM_001288737.2, NM_001288738.2 and 1 more transcripts).
Identifiers: ClinVar variation 654007 (VCV000654007.1), dbSNP rs1588355906, ClinGen allele CA915947211.

ClinVar aggregate classification (germline): Uncertain significance (1 of 4 stars; one submission).

Conditions:
Developmental and epileptic encephalopathy, 31A. Also called: Epileptic encephalopathy, early infantile, 31; Developmental and epileptic encephalopathy, 31. Identifiers: Orphanet 2382, MedGen C4225357, MONDO:0014598, OMIM 616346.

Submission:

Labcorp Genetics (formerly Invitae), Labcorp
Classification: Uncertain significance for Epileptic encephalopathy, early infantile, 31. Last evaluated: 2018-12-21. Review status: criteria provided, single submitter. Criteria: Invitae Variant Classification Sherloc (09022015). Collection method: clinical testing. Allele origin: germline.
Comment: This variant, c.643_646delinsA, is a complex sequence change that results in the deletion of 2 amino acids of the DNM1 protein, and insertion of 1 amino acid (p.Asp215_Ala216delinsThr). This variant is not present in population databases (ExAC no frequency). Experimental studies and prediction algorithms are not available for this variant, and the functional significance of the affected amino acid(s) is currently unknown. In summary, the available evidence is currently insufficient to determine the role of this variant in disease. Therefore, it has been classified as a Variant of Uncertain Significance.